The following is an entry in ClinVar:

NM_006767.4(LZTR1):c.1578G>A (p.Gln526=)

Gene: LZTR1 (leucine zipper like post translational regulator 1; plus strand). Cytogenetic location: 22q11.21.
Variant type: single nucleotide variant.
Coding change: c.1578G>A on transcript NM_006767.4 (MANE Select); coding-DNA position 1578, G replaced by A.
Protein change: p.Gln526=; no amino-acid change (glutamine 526 retained).
Molecular consequence: synonymous variant.
Genome position (GRCh38, 1-based): chr22:20,994,232, G>A. VCF-style: chr22-20994232-G-A. GRCh37 (hg19) VCF-style: chr22-21348521-G-A.
Identifiers: ClinVar variation 2652930 (VCV002652930.24), dbSNP rs2518621058, ClinGen allele CA513699289.

ClinVar aggregate classification (germline): Likely benign (1 of 4 stars; one submission).

Submission:

CeGaT Center for Human Genetics Tuebingen
Classification: Likely benign. Last evaluated: 2023-08-01. Review status: criteria provided, single submitter. Criteria: CeGaT Center For Human Genetics Tuebingen Variant Classification Criteria Version 2. Collection method: clinical testing. Allele origin: germline. Affected: yes. Observed: 1 variant allele.
Comment: LZTR1: PM2:Supporting, BP4, BP7